The following is an entry in ClinVar:

ClinVar aggregate classification (germline): Uncertain significance (1 of 4 stars; one submission).

Submission:

Labcorp Genetics (formerly Invitae), Labcorp
Classification: Uncertain significance. Last evaluated: 2025-07-30. Review status: criteria provided, single submitter. Criteria: Invitae Variant Classification Sherloc (09022015). Collection method: clinical testing. Allele origin: germline.
Comment: This sequence change replaces glutamine, which is neutral and polar, with glutamic acid, which is acidic and polar, at codon 279 of the ADGRA3 protein (p.Gln279Glu). This variant is not present in population databases (gnomAD no frequency). This variant has not been reported in the literature in individuals affected with ADGRA3-related conditions. An algorithm developed to predict the effect of missense changes on protein structure and function (PolyPhen-2) suggests that this variant is likely to be disruptive. In summary, the available evidence is currently insufficient to determine the role of this variant in disease. Therefore, it has been classified as a Variant of Uncertain Significance.

NM_145290.4(ADGRA3):c.835C>G (p.Gln279Glu)

Gene: ADGRA3 (adhesion G protein-coupled receptor A3; minus strand). Cytogenetic location: 4p15.2.
Variant type: single nucleotide variant.
Coding change: c.835C>G on transcript NM_145290.4 (MANE Select); coding-DNA position 835, C replaced by G.
Protein change: p.Gln279Glu; replaces glutamine 279 with glutamic acid.
Molecular consequence: missense variant.
Genome position (GRCh38, 1-based): chr4:22,442,735, G>C on the plus strand (C>G on the coding strand, the complement: ADGRA3 is on the minus strand). VCF-style: chr4-22442735-G-C. GRCh37 (hg19) VCF-style: chr4-22444358-G-C.
Other names: short protein forms Q279E.
Identifiers: ClinVar variation 4770196 (VCV004770196.1).
Genomic context (GRCh38, chr4:22,442,735, plus strand): 5'-TCATGTTCTTTTCAACAAAAATACCTTGCGATTCATCGGTTTCAACTATTCTCCCATCCT[G>C]ATACCACAACACTTGCATGTCCTGATCAATATATGAAGCCATGCACTGGAAAGGAAGGCT-3'
Protein context (NP_660333.2, residues 269-289): IDQDMQVLWY[Gln279Glu]DGRIVETDES